The following is an entry in ClinVar:

ClinVar aggregate classification (germline): Uncertain significance (1 of 4 stars; one submission).

Conditions:
Inborn genetic diseases. Identifiers: MedGen C0950123, MeSH D030342.

gnomAD v4.1: 7 of 1,614,090 alleles (0.00043%); highest among the groups gnomAD compares: Non-Finnish European, 0.00059%; no homozygotes.

Submission:

Ambry Genetics
Classification: Uncertain significance for Inborn genetic diseases. Last evaluated: 2026-08-27. Review status: criteria provided, single submitter. Criteria: Ambry Variant Classification Scheme 2023. Collection method: clinical testing. Allele origin: germline.
Comment: The c.2770G>A (p.V924I) alteration is located in exon 20 (coding exon 20) of the ATP1A1 gene. This alteration results from a G to A substitution at nucleotide position 2770, causing the valine (V) at amino acid position 924 to be replaced by an isoleucine (I). Based on data from gnomAD, the A allele has an overall frequency of 0.003% (1/31408) total alleles studied. The highest observed frequency was 0.007% (1/15430) of European (non-Finnish) alleles. Based on insufficient or conflicting evidence, the clinical significance of this alteration remains unclear.

NM_000701.8(ATP1A1):c.2770G>A (p.Val924Ile)

Genes: ATP1A1-AS1 (ATP1A1 antisense RNA 1; minus strand), ATP1A1 (ATPase Na+/K+ transporting subunit alpha 1; plus strand). Cytogenetic location: 1p13.1.
Variant type: single nucleotide variant.
Coding change: c.2770G>A on transcript NM_000701.8 (MANE Select); coding-DNA position 2770, G replaced by A.
Protein change: p.Val924Ile; replaces valine 924 with isoleucine.
Molecular consequence: missense variant.
Genome position (GRCh38, 1-based): chr1:116,401,181, G>A. VCF-style: chr1-116401181-G-A. GRCh37 (hg19) VCF-style: chr1-116943803-G-A.
Other names: c.2770G>A, p.Val924Ile (NM_001160233.2); c.2677G>A, p.Val893Ile (NM_001160234.2); short protein forms V893I, V924I.
Identifiers: ClinVar variation 5032337 (VCV005032337.1).